The following is an entry in ClinVar:

NM_182493.3(MYLK3):c.1915C>G (p.Pro639Ala)

Gene: MYLK3 (myosin light chain kinase 3; minus strand). Cytogenetic location: 16q11.2.
Variant type: single nucleotide variant.
Coding change: c.1915C>G on transcript NM_182493.3 (MANE Select); coding-DNA position 1915, C replaced by G.
Protein change: p.Pro639Ala; replaces proline 639 with alanine.
Molecular consequence: missense variant.
Genome position (GRCh38, 1-based): chr16:46,721,193, G>C on the plus strand (C>G on the coding strand, the complement: MYLK3 is on the minus strand). VCF-style: chr16-46721193-G-C. GRCh37 (hg19) VCF-style: chr16-46755105-G-C.
Other names: c.892C>G, p.Pro298Ala (NM_001308301.1); short protein forms P298A, P639A.
Identifiers: ClinVar variation 2308505 (VCV002308505.5), dbSNP rs754683857, ClinGen allele CA395789181.
Genomic context (GRCh38, chr16:46,721,193, plus strand): 5'-GCCCAAAGTCAATGATCTTAATTTGATGTCCTGTCTGATTGACGCACAATATGTTCTCCG[G>C]CTGGGAAAGAAAGAAGTCTGCTTAGCCCAAGCAATAGCTGAGGAGGTCTGCAGCTGCCAC-3'
Protein context (NP_872299.2, residues 629-649): QHYILHLDLK[Pro639Ala]ENILCVNQTG

ClinVar aggregate classification (germline): Uncertain significance. Review status: criteria provided, multiple submitters, no conflicts (2 of 4 stars). 2 submissions from 2 submitters: Uncertain significance (2). Last evaluated 2024-08-06.

Allele frequency attached by ClinVar (database versions not stated): TOPMed 0.00001.
gnomAD v4.1: 2 of 1,614,140 alleles (0.00012%); highest among the groups gnomAD compares: Non-Finnish European, 0.00017%; no homozygotes.

Submissions (2):

Labcorp Genetics (formerly Invitae), Labcorp
Classification: Uncertain significance. Last evaluated: 2024-08-06. Review status: criteria provided, single submitter. Criteria: Invitae Variant Classification Sherloc (09022015). Collection method: clinical testing. Allele origin: germline.
Comment: This sequence change replaces proline, which is neutral and non-polar, with alanine, which is neutral and non-polar, at codon 639 of the MYLK3 protein (p.Pro639Ala). This variant is not present in population databases (gnomAD no frequency). This variant has not been reported in the literature in individuals affected with MYLK3-related conditions. ClinVar contains an entry for this variant (Variation ID: 2308505). An algorithm developed to predict the effect of missense changes on protein structure and function (PolyPhen-2) suggests that this variant is likely to be disruptive. In summary, the available evidence is currently insufficient to determine the role of this variant in disease. Therefore, it has been classified as a Variant of Uncertain Significance.

Ambry Genetics
Classification: Uncertain significance. Last evaluated: 2022-08-17. Review status: criteria provided, single submitter. Criteria: Ambry Variant Classification Scheme 2023. Collection method: clinical testing. Allele origin: germline.